The following is an entry in ClinVar:

NM_198578.4(LRRK2):c.5402G>T (p.Cys1801Phe)

Gene: LRRK2 (leucine rich repeat kinase 2; plus strand). Cytogenetic location: 12q12.
Variant type: single nucleotide variant.
Coding change: c.5402G>T on transcript NM_198578.4 (MANE Select); coding-DNA position 5402, G replaced by T.
Protein change: p.Cys1801Phe; replaces cysteine 1801 with phenylalanine.
Molecular consequence: missense variant.
Genome position (GRCh38, 1-based): chr12:40,322,403, G>T. VCF-style: chr12-40322403-G-T. GRCh37 (hg19) VCF-style: chr12-40716205-G-T.
Other names: c.5402G>T (NM_198578.3); short protein forms C1801F.
Identifiers: ClinVar variation 1447875 (VCV001447875.10), dbSNP rs2136891322, ClinGen allele CA384420684.

ClinVar aggregate classification (germline): Uncertain significance. Review status: criteria provided, multiple submitters, no conflicts (2 of 4 stars). 2 submissions from 2 submitters: Uncertain significance (2). Last evaluated 2022-11-23.

Conditions:
Inborn genetic diseases. Identifiers: MedGen C0950123, MeSH D030342.
Autosomal dominant Parkinson disease 8. Also called: LRRK2-Related Parkinson Disease; Parkinson disease 8; Parkinson disease 8, susceptibility to. Identifiers: Orphanet 411602, MedGen C1846862, MONDO:0011764, OMIM 607060.

Allele frequency attached by ClinVar (database versions not stated): gnomAD exomes below 0.00001.
gnomAD v4.1: 2 of 1,613,576 alleles (0.00012%); highest among the groups gnomAD compares: East Asian, 0.0022%; no homozygotes.

Submissions (2):

Labcorp Genetics (formerly Invitae), Labcorp
Classification: Uncertain significance for Autosomal dominant Parkinson disease 8. Last evaluated: 2022-11-23. Review status: criteria provided, single submitter. Criteria: Invitae Variant Classification Sherloc (09022015). Collection method: clinical testing. Allele origin: germline.
Comment: In summary, the available evidence is currently insufficient to determine the role of this variant in disease. Therefore, it has been classified as a Variant of Uncertain Significance. Advanced modeling of protein sequence and biophysical properties (such as structural, functional, and spatial information, amino acid conservation, physicochemical variation, residue mobility, and thermodynamic stability) performed at Invitae indicates that this missense variant is not expected to disrupt LRRK2 protein function. ClinVar contains an entry for this variant (Variation ID: 1447875). This variant has not been reported in the literature in individuals affected with LRRK2-related conditions. This variant is not present in population databases (gnomAD no frequency). This sequence change replaces cysteine, which is neutral and slightly polar, with phenylalanine, which is neutral and non-polar, at codon 1801 of the LRRK2 protein (p.Cys1801Phe).

Ambry Genetics
Classification: Uncertain significance for Inborn genetic diseases. Last evaluated: 2022-11-18. Review status: criteria provided, single submitter. Criteria: Ambry Variant Classification Scheme 2023. Collection method: clinical testing. Allele origin: germline.
Comment: The p.C1801F variant (also known as c.5402G>T), located in coding exon 37 of the LRRK2 gene, results from a G to T substitution at nucleotide position 5402. The cysteine at codon 1801 is replaced by phenylalanine, an amino acid with highly dissimilar properties. This amino acid position is conserved. In addition, the in silico prediction for this alteration is inconclusive. Since supporting evidence is limited at this time, the clinical significance of this alteration remains unclear.